The following is an entry in ClinVar:

ClinVar aggregate classification (germline): Uncertain significance (1 of 4 stars; one submission).

Conditions:
Inborn genetic diseases. Identifiers: MedGen C0950123, MeSH D030342.

Submission:

Ambry Genetics
Classification: Uncertain significance for Inborn genetic diseases. Last evaluated: 2021-12-11. Review status: criteria provided, single submitter. Criteria: Ambry Variant Classification Scheme 2023. Collection method: clinical testing. Allele origin: germline.
Comment: The p.K540N variant (also known as c.1620G>T), located in coding exon 13 of the BUB1B gene, results from a G to T substitution at nucleotide position 1620. The lysine at codon 540 is replaced by asparagine, an amino acid with similar properties. This amino acid position is conserved. In addition, this alteration is predicted to be tolerated by in silico analysis. Since supporting evidence is limited at this time, the clinical significance of this alteration remains unclear.

NM_001211.6(BUB1B):c.1620G>T (p.Lys540Asn)

Gene: BUB1B (BUB1 mitotic checkpoint serine/threonine kinase B; plus strand). Cytogenetic location: 15q15.1.
Variant type: single nucleotide variant.
Coding change: c.1620G>T on transcript NM_001211.6 (MANE Select); coding-DNA position 1620, G replaced by T.
Protein change: p.Lys540Asn; replaces lysine 540 with asparagine.
Molecular consequence: missense variant.
Genome position (GRCh38, 1-based): chr15:40,202,457, G>T. VCF-style: chr15-40202457-G-T. GRCh37 (hg19) VCF-style: chr15-40494658-G-T.
Other names: short protein forms K540N.
Identifiers: ClinVar variation 1776606 (VCV001776606.2), dbSNP rs2140901896, ClinGen allele CA391691359.
Genomic context (GRCh38, chr15:40,202,457, plus strand): 5'-TTCTCTAGGTCCCAGTGTACCTTTCTCCATTTTTGATGAGTTTCTTCTTTCAGAAAAGAA[G>T]AATAAAAGGTACGTTGTTTTTTTGTTTTTTTGGTTTTTTTTTACTTAAGAATTTTCTGTT-3'
Protein context (NP_001202.5, residues 530-550): IFDEFLLSEK[Lys540Asn]NKSPPADPPR